The following is an entry in ClinVar:

NC_000004.11:g.(?_4864676)_(4960528_?)del

Gene: MSX1 (msh homeobox 1; plus strand). Cytogenetic location: 4p16.2.
Variant type: Deletion.
Identifiers: ClinVar variation 3246608 (VCV003246608.1).

ClinVar aggregate classification (germline): Pathogenic (1 of 4 stars; one submission).

Conditions:
Hypoplastic enamel-onycholysis-hypohidrosis syndrome (TNS). Also called: NAIL DYSPLASIA WITH HYPODONTIA; ECTODERMAL DYSPLASIA 3, WITKOP TYPE; ECTODERMAL DYSPLASIA 3, TOOTH/NAIL TYPE; WITKOP SYNDROME; Tooth-and-Nail Syndrome. Identifiers: Orphanet 2228, MedGen C0406735, MONDO:0008582, OMIM 189500.

Submission:

Labcorp Genetics (formerly Invitae), Labcorp
Classification: Pathogenic for Hypoplastic enamel-onycholysis-hypohidrosis syndrome. Last evaluated: 2023-02-06. Review status: criteria provided, single submitter. Criteria: Invitae Variant Classification Sherloc (09022015). Collection method: clinical testing. Allele origin: unknown.
Comment: Experimental studies and prediction algorithms are not available or were not evaluated, and the functional significance of this variant is currently unknown. A similar copy number variant has been observed in individual(s) with clinical features of MSX1-related conditions (Invitae). This variant results in the deletion of part of exon 2 (c.719_*95659del) of the MSX1 gene. While this is not anticipated to result in nonsense mediated decay, it is expected to disrupt the last 64 amino acid(s) of the MSX1 protein. This variant disrupts the C-terminus of the MSX1 protein. Other variant(s) that disrupt this region (p.Pro248Serfs*13, p.Phe251*, p.Ala282Argfs*21) have been observed in individuals with MSX1-related conditions (PMID: 27917906; Invitae). This suggests that this may be a clinically significant region of the protein. For these reasons, this variant has been classified as Pathogenic.

Literature cited by the submitters: PubMed 27917906.